The following is an entry in ClinVar:

ClinVar aggregate classification (germline): Uncertain significance (1 of 4 stars; one submission).

Conditions:
Wiskott-Aldrich syndrome (WAS). Also called: Wiskott-aldrich syndrome, somatic; ALDRICH SYNDROME; IMMUNODEFICIENCY 2; WISKOTT-ALDRICH SYNDROME 1. Identifiers: Orphanet 906, MedGen C0043194, MONDO:0010518, OMIM 301000.
X-linked severe congenital neutropenia (SCNX). Identifiers: Orphanet 86788, MedGen C1845987, MONDO:0010294, OMIM 300299.
Thrombocytopenia 1. Also called: X-Linked Thrombocytopenia (XLT); THROMBOCYTOPENIA, X-LINKED, 1; X-linked thrombocytopenia with normal platelets. Identifiers: Orphanet 268322, Orphanet 852, MedGen C1839163, MONDO:0010743, OMIM 313900.

Submission:

Labcorp Genetics (formerly Invitae), Labcorp
Classification: Uncertain significance for Wiskott-Aldrich syndrome; X-linked severe congenital neutropenia; Thrombocytopenia 1. Last evaluated: 2020-11-06. Review status: criteria provided, single submitter. Criteria: Invitae Variant Classification Sherloc (09022015). Collection method: clinical testing. Allele origin: germline.
Comment: In summary, the available evidence is currently insufficient to determine the role of this variant in disease. Therefore, it has been classified as a Variant of Uncertain Significance. Experimental studies have shown that this variant does not substantially affect WAS protein function (PMID: 19817875). This variant has been observed in individual(s) with clinical features of Wiskott-Aldrich Syndrome (PMID: 8931701). This variant is not present in population databases (ExAC no frequency). This sequence change replaces glutamine with arginine at codon 99 of the WAS protein (p.Gln99Arg). The glutamine residue is highly conserved and there is a small physicochemical difference between glutamine and arginine.

Literature cited by the submitters: PubMed 19817875; PubMed 8931701.

NM_000377.3(WAS):c.296A>G (p.Gln99Arg)

Gene: WAS (WASP actin nucleation promoting factor; plus strand). Cytogenetic location: Xp11.23.
Variant type: single nucleotide variant.
Coding change: c.296A>G on transcript NM_000377.3 (MANE Select); coding-DNA position 296, A replaced by G.
Protein change: p.Gln99Arg; replaces glutamine 99 with arginine.
Molecular consequence: missense variant.
Genome position (GRCh38, 1-based): chrX:48,685,569, A>G. VCF-style: chrX-48685569-A-G. GRCh37 (hg19) VCF-style: chrX-48543958-A-G.
Other names: short protein forms Q99R.
Identifiers: ClinVar variation 1511673 (VCV001511673.6), dbSNP rs2062416153, ClinGen allele CA412866934.